The following is an entry in ClinVar:

ClinVar aggregate classification (germline): Uncertain significance (1 of 4 stars; one submission).

Conditions:
Ehlers-Danlos syndrome, classic type (cEDS). Identifiers: Orphanet 287, MedGen C4225429, MONDO:0007522.

Allele frequency attached by ClinVar (database versions not stated): TOPMed below 0.00001; gnomAD 0.00001.
gnomAD v4.1: 1 of 1,613,578 alleles (0.000062%); highest among the groups gnomAD compares: Non-Finnish European, 0.000085%; no homozygotes.

Submission:

Labcorp Genetics (formerly Invitae), Labcorp
Classification: Uncertain significance for Ehlers-Danlos syndrome, classic type, 1. Last evaluated: 2017-12-12. Review status: criteria provided, single submitter. Criteria: Invitae Variant Classification Sherloc (09022015). Collection method: clinical testing. Allele origin: germline.
Comment: This sequence change replaces proline with serine at codon 488 of the COL5A1 protein (p.Pro488Ser). The proline residue is highly conserved and there is a moderate physicochemical difference between proline and serine. This variant is not present in population databases (ExAC no frequency). This variant has not been reported in the literature in individuals with COL5A1-related disease. Algorithms developed to predict the effect of missense changes on protein structure and function (SIFT, PolyPhen-2, Align-GVGD) all suggest that this variant is likely to be disruptive, but these predictions have not been confirmed by published functional studies and their clinical significance is uncertain. In summary, the available evidence is currently insufficient to determine the role of this variant in disease. Therefore, it has been classified as a Variant of Uncertain Significance.

NM_000093.5(COL5A1):c.1462C>T (p.Pro488Ser)

Gene: COL5A1 (collagen type V alpha 1 chain; plus strand). Cytogenetic location: 9q34.3.
Variant type: single nucleotide variant.
Coding change: c.1462C>T on transcript NM_000093.5 (MANE Select); coding-DNA position 1462, C replaced by T.
Protein change: p.Pro488Ser; replaces proline 488 with serine.
Molecular consequence: missense variant.
Genome position (GRCh38, 1-based): chr9:134,738,776, C>T. VCF-style: chr9-134738776-C-T. GRCh37 (hg19) VCF-style: chr9-137630622-C-T.
Other names: c.1462C>T, p.Pro488Ser (NM_001278074.1); short protein forms P488S.
Identifiers: ClinVar variation 529261 (VCV000529261.3), dbSNP rs1238395732, ClinGen allele CA375441326.